The following is an entry in ClinVar:

ClinVar aggregate classification (germline): Likely benign. Review status: criteria provided, multiple submitters, no conflicts (2 of 4 stars). 3 submissions from 3 submitters: Likely benign (2). 1 of the submissions does not count toward it. Last evaluated 2024-07-16.

Conditions:
LAMA1-related disorder. Also called: LAMA1-related disorders; LAMA1-related condition.

Allele frequency attached by ClinVar (database versions not stated): gnomAD 0.00002; TOPMed 0.00003; ESP Exome Variant Server 0.00008; ExAC 0.00011.
gnomAD v4.1: 58 of 1,613,110 alleles (0.0036%); highest among the groups gnomAD compares: South Asian, 0.018%; 1 homozygote.

Submissions (3):

Labcorp Genetics (formerly Invitae), Labcorp
Classification: Likely benign. Last evaluated: 2024-07-16. Review status: criteria provided, single submitter. Criteria: Invitae Variant Classification Sherloc (09022015). Collection method: clinical testing. Allele origin: germline.

Blueprint Genetics
Classification: Likely benign. Last evaluated: 2022-11-16. Review status: criteria provided, single submitter. Criteria: ACMG Guidelines, 2015. Collection method: clinical testing. Allele origin: germline.

PreventionGenetics, part of Exact Sciences
Classification: Likely benign for LAMA1-related condition. Last evaluated: 2019-04-25. Review status: no assertion criteria provided. Collection method: clinical testing. Allele origin: germline. Not counted in ClinVar's aggregate classification.
Comment: This variant is classified as likely benign based on ACMG/AMP sequence variant interpretation guidelines (Richards et al. 2015 PMID: 25741868, with internal and published modifications).

NM_005559.4(LAMA1):c.6490-7C>T

Gene: LAMA1 (laminin subunit alpha 1; minus strand). Cytogenetic location: 18p11.31.
Variant type: single nucleotide variant.
Coding change: c.6490-7C>T on transcript NM_005559.4 (MANE Select); 7 bases into the intron before coding-DNA position 6490, C replaced by T.
Molecular consequence: intron variant.
Genome position (GRCh38, 1-based): chr18:6,975,043, G>A on the plus strand (C>T on the coding strand, the complement: LAMA1 is on the minus strand). VCF-style: chr18-6975043-G-A. GRCh37 (hg19) VCF-style: chr18-6975042-G-A.
Identifiers: ClinVar variation 3047842 (VCV003047842.5), dbSNP rs374269357, ClinGen allele CA8881206.